The following is an entry in ClinVar:

ClinVar aggregate classification (germline): Uncertain significance (1 of 4 stars; one submission).

gnomAD v4.1: 1 of 1,612,848 alleles (0.000062%); highest among the groups gnomAD compares: East Asian, 0.0022%; no homozygotes.

Submission:

GeneDx
Classification: Uncertain significance. Last evaluated: 2025-05-11. Review status: criteria provided, single submitter. Criteria: GeneDx Variant Classification Process June 2021. Collection method: clinical testing. Allele origin: germline. Affected: yes.
Comment: Not observed at significant frequency in large population cohorts (gnomAD); In silico analysis suggests that this missense variant does not alter protein structure/function; Has not been previously published as pathogenic or benign to our knowledge

NM_017934.7(PHIP):c.3280G>A (p.Glu1094Lys)

Genes: IRAK1BP1 (interleukin 1 receptor associated kinase 1 binding protein 1; plus strand), PHIP (PHIP subunit of CUL4-Ring ligase complex; minus strand). Cytogenetic location: 6q14.1.
Variant type: single nucleotide variant.
Coding change: c.3280G>A on transcript NM_017934.7 (MANE Select); coding-DNA position 3280, G replaced by A.
Protein change: p.Glu1094Lys; replaces glutamic acid 1094 with lysine.
Molecular consequence: missense variant.
Genome position (GRCh38, 1-based): chr6:78,965,982, C>T on the plus strand (G>A on the coding strand, the complement: PHIP is on the minus strand). VCF-style: chr6-78965982-C-T. GRCh37 (hg19) VCF-style: chr6-79675699-C-T.
Other names: short protein forms E1094K.
Identifiers: ClinVar variation 4529776 (VCV004529776.1).